The following is an entry in ClinVar:

ClinVar aggregate classification (germline): Uncertain significance (1 of 4 stars; one submission).

gnomAD v4.1: 9 of 1,613,286 alleles (0.00056%); highest among the groups gnomAD compares: East Asian, 0.0089%; no homozygotes.

Submission:

GeneDx
Classification: Uncertain significance. Last evaluated: 2023-07-11. Review status: criteria provided, single submitter. Criteria: GeneDx Variant Classification Process June 2021. Collection method: clinical testing. Allele origin: germline. Affected: yes.
Comment: Has not been previously published as pathogenic or benign to our knowledge; Not observed at significant frequency in large population cohorts (gnomAD); In silico analysis supports that this missense variant does not alter protein structure/function

NM_014244.5(ADAMTS2):c.2705A>G (p.Lys902Arg)

Gene: ADAMTS2 (ADAM metallopeptidase with thrombospondin type 1 motif 2; minus strand). Cytogenetic location: 5q35.3.
Variant type: single nucleotide variant.
Coding change: c.2705A>G on transcript NM_014244.5 (MANE Select); coding-DNA position 2705, A replaced by G.
Protein change: p.Lys902Arg; replaces lysine 902 with arginine.
Molecular consequence: missense variant.
Genome position (GRCh38, 1-based): chr5:179,126,043, T>C on the plus strand (A>G on the coding strand, the complement: ADAMTS2 is on the minus strand). VCF-style: chr5-179126043-T-C. GRCh37 (hg19) VCF-style: chr5-178553044-T-C.
Other names: short protein forms K902R.
Identifiers: ClinVar variation 3360878 (VCV003360878.1).